The following is an entry in ClinVar:

ClinVar aggregate classification (germline): Pathogenic/Likely pathogenic. Review status: criteria provided, multiple submitters, no conflicts (2 of 4 stars). 8 submissions from 8 submitters: Pathogenic (6); Likely pathogenic (2). Last evaluated 2026-03-02.

Conditions:
NOTCH3-related disorder. Also called: NOTCH3-related condition; NOTCH3-related disorders.
Cerebral arteriopathy, autosomal dominant, with subcortical infarcts and leukoencephalopathy, type 1 (CADASIL1). Also called: DEMENTIA, HEREDITARY MULTIINFARCT TYPE; CADASIL 1; CASIL; Cerebral arteriopathy with subcortical infarcts and leukoencephalopathy 1. Identifiers: Orphanet 136, MedGen C4551768, MONDO:0000914, OMIM 125310.

Submissions (8):

PreventionGenetics, part of Exact Sciences
Classification: Pathogenic for NOTCH3-related condition. Last evaluated: 2026-03-02. Review status: criteria provided, single submitter. Criteria: ACMG Guidelines, 2015. Collection method: clinical testing. Allele origin: germline.
Comment: The NOTCH3 c.1279C>T variant is predicted to result in the amino acid substitution p.Arg427Cys. This variant was reported in multiple individuals with CADASIL (Adib-Samii et al. 2010. PubMed ID: 20167921; Almeida et al. 2021. PubMed ID: 34851492; Dziewulska et al. 2018. PubMed ID: 30402942; Liao et al. 2015. PubMed ID: 26308724; Mellinger et al. 2020. PubMed ID: 32387185). This variant has not been reported in a large population database (gnomAD), indicating this variant is rare. Most CADASIL causing variants in the NOTCH3 gene result in the gain or loss of one or more cysteine residues in the extracellular domain of the protein, as seen in this patient. This patient’s variant alters a cysteine residue and is located in the extracellular EGF-like domain 10. Pathogenic variants in EGF-like domains 1-6 appear to be fully penetrant and are usually associated with the classical CADASIL phenotype. However, there is variability in disease severity. Pathogenic variants in EGF-like domains 7-34 have a much higher population frequency and can predispose to a milder small-vessel disease, possibly even displaying incomplete or at least very late onset complete penetrance (OMIM #125310; Rutten et al. 2016. PubMed ID: 27844030; Rutten et al. 2019. PubMed ID: 30032161). This variant is interpreted as pathogenic.

NHS Central & South Genomic Laboratory Hub
Classification: Pathogenic for CADASIL. Last evaluated: 2025-10-21. Review status: criteria provided, single submitter. Criteria: ACMG Guidelines, 2015. Collection method: clinical testing. Allele origin: germline. Affected: yes.

CeGaT Center for Human Genetics Tuebingen
Classification: Pathogenic. Last evaluated: 2025-04-01. Review status: criteria provided, single submitter. Criteria: CeGaT Center For Human Genetics Tuebingen Variant Classification Criteria Version 2. Collection method: clinical testing. Allele origin: germline. Affected: yes. Observed: 1 variant allele.
Comment: NOTCH3: PM1:Strong, PS4, PM2, PP3

Labcorp Genetics (formerly Invitae), Labcorp
Classification: Pathogenic. Last evaluated: 2024-12-17. Review status: criteria provided, single submitter. Criteria: Invitae Variant Classification Sherloc (09022015). Collection method: clinical testing. Allele origin: germline.
Comment: This sequence change replaces arginine, which is basic and polar, with cysteine, which is neutral and slightly polar, at codon 427 of the NOTCH3 protein (p.Arg427Cys). This variant is not present in population databases (gnomAD no frequency). This missense change has been observed in individuals with clinical features of CADASIL (PMID: 26618768, 30402942, 32387185). ClinVar contains an entry for this variant (Variation ID: 810779). Invitae Evidence Modeling of protein sequence and biophysical properties (such as structural, functional, and spatial information, amino acid conservation, physicochemical variation, residue mobility, and thermodynamic stability) indicates that this missense variant is expected to disrupt NOTCH3 protein function with a positive predictive value of 95%. For these reasons, this variant has been classified as Pathogenic.

Institute of Human Genetics, University of Leipzig Medical Center
Classification: Pathogenic for Cerebral arteriopathy, autosomal dominant, with subcortical infarcts and leukoencephalopathy, type 1. Last evaluated: 2024-12-03. Review status: criteria provided, single submitter. Criteria: ACMG Guidelines, 2015. Collection method: clinical testing. Allele origin: maternal. Inheritance: Autosomal dominant inheritance. Affected: yes.
Comment: Criteria applied: PM1_STR,PS4_MOD,PM2,PP2,PP3

Athena Diagnostics
Classification: Pathogenic. Last evaluated: 2024-08-20. Review status: criteria provided, single submitter. Criteria: Athena Diagnostics Criteria. Collection method: clinical testing. Allele origin: unknown.
Comment: This variant alters a critical location within the protein, and is expected to severely affect function and cause disease. This variant has not been reported in large, multi-ethnic general populations. This variant has been identified in multiple unrelated individuals with clinical features associated with CADASIL. Greater than 90% of NOTCH3 pathogenic variants associated with CADASIL involve the gain or loss of a cysteine residue within the epidermal growth factor (EGF)-like repeat domain (PMID: 32457593, 20301673).

Molecular Genetics, Royal Melbourne Hospital
Classification: Likely pathogenic for Cerebral arteriopathy, autosomal dominant, with subcortical infarcts and leukoencephalopathy, type 1. Last evaluated: 2023-06-06. Review status: criteria provided, single submitter. Criteria: ACMG Guidelines, 2015. Collection method: clinical testing. Allele origin: germline. Affected: yes.
Comment: This sequence change in NOTCH3 is predicted to replace arginine with cysteine at codon 427, p.(Arg427Cys). The arginine residue is highly conserved (100 vertebrates, UCSC), and introduces an odd number of cysteine residues in EGF-like repeat domain 10 expected to disrupt the disulphide bonds in this domain leading to protein aggregation (PMID: 20301673). There is a large physicochemical difference between arginine and cysteine. This variant is absent from the population database gnomAD v2.1 and v3.1. This variant has been reported in at least six individuals with a clinical diagnosis of cerebral autosomal dominant arteriopathy with subcortical infarcts and leukoencephalopathy (CADASIL), (PMID: 30402942, 20167921, 34851492, 32387185, 26308724). At least one of these individuals had a positive skin biopsy for granular osmiophillic material, specific for CADASIL (PMID: 26618768). Computational evidence predicts a deleterious effect for the missense substitution (REVEL = 0.877). Based on the classification scheme RMH Modified ACMG/AMP Guidelines v1.6.1, this variant is classified as LIKELY PATHOGENIC. Following criteria are met: PS4, PM1, PM2_Supporting, PP3, PP4.

ARUP Laboratories, Molecular Genetics and Genomics, ARUP Laboratories
Classification: Likely pathogenic. Last evaluated: 2020-12-04. Review status: criteria provided, single submitter. Criteria: ARUP Molecular Germline Variant Investigation Process 2021. Collection method: clinical testing. Allele origin: germline.
Comment: The NOTCH3 c.1279C>T; p.Arg427Cys variant (rs1599391536) is reported in the literature in four individuals affected with CADASIL (Dziewulska 2018, Hewamadduma 2010, Liao 2015). This variant is reported as likely pathogenic in ClinVar (Variation ID: 810779). This variant is absent from general population databases (Exome Variant Server, Genome Aggregation Database), indicating it is not a common polymorphism. The arginine at codon 427 is highly conserved, and computational analyses predict that this variant is deleterious (REVEL: 0.877). Most pathogenic NOTCH3 variants occur in exons 2-24 and either create or destroy a cysteine residue within an EGF-like domain (Rutten 2014), and thus the p.Arg427Cys variant is consistent with the predominant mechanism of disease in NOTCH3. Based on available information, this variant is considered to be likely pathogenic. References: Dziewulska D et al. Nuclear abnormalities in vascular myocytes in cerebral autosomal-dominant arteriopathy with subcortical infarcts and leukoencephalopathy (CADASIL). Neuropathology. 2018 Dec;38(6):601-608. Hewamadduma C et al. POG09 CADASIL in a mother and son due to a novel mutation of the NOTCH-3 gene. Journal of Neurology, Neurosurgery & Psychiatry 2010;81:e50. Liao YC et al. Characterization of CADASIL among the Han Chinese in Taiwan: Distinct Genotypic and Phenotypic Profiles. PLoS One. 2015;10(8):e0136501. Published 2015 Aug 26. Rutten JW et al. Interpretation of NOTCH3 mutations in the diagnosis of CADASIL. Expert Rev Mol Diagn. 2014 Jun;14(5):593-603.

Literature cited by the submitters: PubMed 26618768 (cited by Labcorp Genetics (formerly Invitae), Labcorp and Molecular Genetics, Royal Melbourne Hospital); PubMed 30402942 (cited by 3 submitters); PubMed 32387185 (cited by 3 submitters); PubMed 26308724 (cited by Athena Diagnostics and Molecular Genetics, Royal Melbourne Hospital); PubMed 20167921 (cited by Athena Diagnostics and Molecular Genetics, Royal Melbourne Hospital); PubMed 32552418 (cited by Athena Diagnostics); PubMed 20301673 (cited by Molecular Genetics, Royal Melbourne Hospital); PubMed 34851492 (cited by Molecular Genetics, Royal Melbourne Hospital).

NM_000435.3(NOTCH3):c.1279C>T (p.Arg427Cys)

Gene: NOTCH3 (notch receptor 3; minus strand). Cytogenetic location: 19p13.12.
Variant type: single nucleotide variant.
Coding change: c.1279C>T on transcript NM_000435.3 (MANE Select); coding-DNA position 1279, C replaced by T.
Protein change: p.Arg427Cys; replaces arginine 427 with cysteine.
Molecular consequence: missense variant.
Genome position (GRCh38, 1-based): chr19:15,189,088, G>A on the plus strand (C>T on the coding strand, the complement: NOTCH3 is on the minus strand). VCF-style: chr19-15189088-G-A. GRCh37 (hg19) VCF-style: chr19-15299899-G-A.
Other names: short protein forms R427C.
Identifiers: ClinVar variation 810779 (VCV000810779.26), dbSNP rs1599391536, ClinGen allele CA404528070.
Genomic context (GRCh38, chr19:15,189,088, plus strand): 5'-GGCACGTGGCCTGGTTTCGGCAGGGCCCCGACAGACACTCGTTGACATCGGTCTCACAGC[G>A]AGGTCCAGTGTAGCCACGACCGCACTGGCACAGGAAGGAGCCCTGCGTGTTCACGCACCT-3'
Protein context (NP_000426.2, residues 417-437): CQCGRGYTGP[Arg427Cys]CETDVNECLS